The following is an entry in ClinVar:

ClinVar aggregate classification (germline): Uncertain significance (1 of 4 stars; one submission).

Conditions:
Combined oxidative phosphorylation defect type 27. Also called: Combined oxidative phosphorylation deficiency 27. Identifiers: Orphanet 477774, MedGen C5567608, MONDO:0014728, OMIM 616672.

Submission:

Baylor Genetics
Classification: Uncertain significance for Combined oxidative phosphorylation defect type 27. Last evaluated: 2018-01-16. Review status: criteria provided, single submitter. Criteria: ACMG Guidelines, 2015. Collection method: clinical testing. Allele origin: paternal. Affected: yes.
Comment: This variant was determined to be of uncertain significance according to ACMG Guidelines, 2015 [PMID:25741868].

NM_024537.4(CARS2):c.1684_1685insA (p.Ser562fs)

Gene: CARS2 (cysteinyl-tRNA synthetase 2, mitochondrial; minus strand). Cytogenetic location: 13q34.
Variant type: Insertion.
Coding change: c.1684_1685insA on transcript NM_024537.4 (MANE Select); coding-DNA positions 1684 to 1685, A inserted.
Protein change: p.Ser562fs; shifts the reading frame from serine 562.
Molecular consequence: frameshift variant. On other transcripts: non-coding transcript variant (2).
Genome position: GRCh38 VCF-style: chr13-110641547-G-GT. GRCh37 (hg19) VCF-style: chr13-111293894-G-GT.
Other names: c.898_899insA, p.Ser300fs (NM_001352252.2); short protein forms S300fs, S562fs.
Identifiers: ClinVar variation 1031374 (VCV001031374.1), dbSNP rs1887287265, ClinGen allele CA2118947094.